The following is an entry in ClinVar:

NM_000302.4(PLOD1):c.2063C>G (p.Ser688Cys)

Gene: PLOD1 (procollagen-lysine,2-oxoglutarate 5-dioxygenase 1; plus strand). Cytogenetic location: 1p36.22.
Variant type: single nucleotide variant.
Coding change: c.2063C>G on transcript NM_000302.4 (MANE Select); coding-DNA position 2063, C replaced by G.
Protein change: p.Ser688Cys; replaces serine 688 with cysteine.
Molecular consequence: missense variant.
Genome position (GRCh38, 1-based): chr1:11,974,687, C>G. VCF-style: chr1-11974687-C-G. GRCh37 (hg19) VCF-style: chr1-12034744-C-G.
Other names: c.2204C>G, p.Ser735Cys (NM_001316320.2); short protein forms S735C, S688C.
Identifiers: ClinVar variation 1785256 (VCV001785256.3), dbSNP rs1645891247, ClinGen allele CA338453470.
Genomic context (GRCh38, chr1:11,974,687, plus strand): 5'-GGCCACTGATGCTTTCTGTCTCCCAGGGCGGGGGCTGTCGGTTCCTGCGCTACAACTGTT[C>G]CATCCGAGCCCCAAGGAAGGGCTGGACCCTCATGCACCCTGGACGACTCACGCATTACCA-3'
Protein context (NP_000293.2, residues 678-698): GGCRFLRYNC[Ser688Cys]IRAPRKGWTL

ClinVar aggregate classification (germline): Uncertain significance (1 of 4 stars; one submission).

Conditions:
Familial thoracic aortic aneurysm and aortic dissection (TAAD). Also called: Thoracic aortic aneurysms and dissections. Identifiers: Orphanet 91387, MedGen C4707243, MONDO:0019625.

Submission:

Ambry Genetics
Classification: Uncertain significance for Familial thoracic aortic aneurysm and aortic dissection. Last evaluated: 2025-11-16. Review status: criteria provided, single submitter. Criteria: Ambry Variant Classification Scheme 2023. Collection method: clinical testing. Allele origin: germline.
Comment: The p.S688C variant (also known as c.2063C>G), located in coding exon 19 of the PLOD1 gene, results from a C to G substitution at nucleotide position 2063. The serine at codon 688 is replaced by cysteine, an amino acid with dissimilar properties. This amino acid position is conserved. In addition, the in silico prediction for this alteration is inconclusive. Since supporting evidence is limited at this time, the clinical significance of this alteration remains unclear.